The following is an entry in ClinVar:

NM_001276270.2(MBD4):c.1015G>T (p.Ala339Ser)

Gene: MBD4 (methyl-CpG binding domain 4, DNA glycosylase; minus strand). Cytogenetic location: 3q21.3.
Variant type: single nucleotide variant.
Coding change: c.1015G>T on transcript NM_001276270.2 (MANE Select); coding-DNA position 1015, G replaced by T.
Protein change: p.Ala339Ser; replaces alanine 339 with serine.
Molecular consequence: missense variant. On other transcripts: intron variant (1).
Genome position (GRCh38, 1-based): chr3:129,436,629, C>A on the plus strand (G>T on the coding strand, the complement: MBD4 is on the minus strand). VCF-style: chr3-129436629-C-A. GRCh37 (hg19) VCF-style: chr3-129155472-C-A.
Other names: c.1015G>T, p.Ala339Ser (NM_001276271.2, NM_001276272.2, NM_003925.3); c.247+1179G>T (NM_001276273.2); short protein forms A339S.
Identifiers: ClinVar variation 4624411 (VCV004624411.1).
Genomic context (GRCh38, chr3:129,436,629, plus strand): 5'-CGATTTCTTCAGATTCTAAAAAGGTATCCTCATACTTCTCGTTGTGTTCTGAGTCTTTGG[C>A]TGAACAAAATTTGTTTATGATGCCAGAAGTTTTTTGTTCAGAACAAAAATTTGATCCTGA-3'
Protein context (NP_001263199.1, residues 329-349): TSGIINKFCS[Ala339Ser]KDSEHNEKYE

ClinVar aggregate classification (germline): Uncertain significance (1 of 4 stars; one submission).

Conditions:
Inborn genetic diseases. Identifiers: MedGen C0950123, MeSH D030342.

Submission:

Ambry Genetics
Classification: Uncertain significance for Inborn genetic diseases. Last evaluated: 2025-11-02. Review status: criteria provided, single submitter. Criteria: Ambry Variant Classification Scheme 2023. Collection method: clinical testing. Allele origin: germline.
Comment: The p.A339S variant (also known as c.1015G>T), located in coding exon 3 of the MBD4 gene, results from a G to T substitution at nucleotide position 1015. The alanine at codon 339 is replaced by serine, an amino acid with similar properties. This amino acid position is conserved. In addition, this alteration is predicted to be tolerated by in silico analysis. Based on the available evidence, the clinical significance of this variant remains unclear.